The following is an entry in ClinVar:

ClinVar aggregate classification (germline): Likely pathogenic (1 of 4 stars; one submission).

Conditions:
Intellectual developmental disorder, X-linked, syndromic, Raymond type. Also called: Syndromic X-linked intellectual disability Raymond type. Identifiers: MedGen C3275406, MONDO:0010427, OMIM 300799.

Submission:

Molecular Genetics Department, Kulakov National Medical Research Center for Obstetrics, Gynecology and Perinatology
Classification: Likely pathogenic for Intellectual developmental disorder, X-linked, syndromic, Raymond type. Review status: criteria provided, single submitter. Criteria: ACMG Guidelines, 2015. Collection method: clinical testing. Allele origin: germline. Affected: yes.
Comment: A previously undescribed nucleotide variant creates an alteration of the canonical splice site c.167+1G>A in the ZDHHC9 gene. Loss-of-function variants are reported in patients with Intellectual developmental disorder, X-linked syndromic, Raymond type (OMIM: 300799). The variant is not present in population database (gnomAD no frequency). In summary, the currently available evidence indicates that the variant is pathogenic, but additional data are needed to prove that conclusively. Therefore, this variant has been classified as likely pathogenic.

NM_016032.4(ZDHHC9):c.167+1G>A

Gene: ZDHHC9 (zDHHC palmitoyltransferase 9; minus strand). Cytogenetic location: Xq26.1.
Variant type: single nucleotide variant.
Coding change: c.167+1G>A on transcript NM_016032.4 (MANE Select); the canonical splice donor site of the intron after coding-DNA position 167, G replaced by A.
Molecular consequence: splice donor variant.
Genome position (GRCh38, 1-based): chrX:129,841,778, C>T on the plus strand (G>A on the coding strand, the complement: ZDHHC9 is on the minus strand). VCF-style: chrX-129841778-C-T. GRCh37 (hg19) VCF-style: chrX-128975754-C-T.
Other names: c.167+1G>A (NM_001008222.3).
Identifiers: ClinVar variation 3062259 (VCV003062259.1), dbSNP rs2522243863, ClinGen allele CA414626221.
Genomic context (GRCh38, chrX:129,841,778, plus strand): 5'-AGGTTCTTCCCCTGGACCCAAAGTAACCATAATCAGGTAACTCTACTCAACCGAAACTCA[C>T]TCAAAGGCGAAGAAGAGTGTACATGTCCCCAGGATGAGGAAAAGGGTCAGGTAGAAAATG-3'